The following is an entry in ClinVar:

NM_018398.3(CACNA2D3):c.2845A>G (p.Ser949Gly)

Gene: CACNA2D3 (calcium voltage-gated channel auxiliary subunit alpha2delta 3; plus strand). Cytogenetic location: 3p14.3.
Variant type: single nucleotide variant.
Coding change: c.2845A>G on transcript NM_018398.3 (MANE Select); coding-DNA position 2845, A replaced by G.
Protein change: p.Ser949Gly; replaces serine 949 with glycine.
Molecular consequence: missense variant.
Genome position (GRCh38, 1-based): chr3:55,009,413, A>G. VCF-style: chr3-55009413-A-G. GRCh37 (hg19) VCF-style: chr3-55043440-A-G.
Other names: short protein forms S949G.
Identifiers: ClinVar variation 3040609 (VCV003040609.4), dbSNP rs202212742, ClinGen allele CA2458718.
Genomic context (GRCh38, chr3:55,009,413, plus strand): 5'-CGAAGTAACATTGGGCTTTTCCACGATCTGTTTAGGTTCCTGGTGGAATTTAACCTCTGC[A>G]GTTGGTGGCACTCCGATATGACAGCTAAAGGTGAGCAGCAACTGGTTTCTGTTTCCCAGC-3'
Protein context (NP_060868.2, residues 939-959): VLFLVEFNLC[Ser949Gly]WWHSDMTAKA

ClinVar aggregate classification (germline): Uncertain significance. Review status: criteria provided, single submitter (1 of 4 stars). 2 submissions from 2 submitters: Uncertain significance (1). 1 of the submissions does not count toward it. Last evaluated 2025-11-07.

Conditions:
CACNA2D3-related disorder. Also called: CACNA2D3-related condition.

Allele frequency attached by ClinVar (database versions not stated): ESP Exome Variant Server 0.00146; 1000 Genomes Project 30x 0.00016; ExAC 0.00110; TOPMed 0.00105; gnomAD 0.00116; 1000 Genomes Project 0.00020; gnomAD exomes 0.00191.
gnomAD v4.1: 2,928 of 1,613,870 alleles (0.18%); highest among the groups gnomAD compares: Non-Finnish European, 0.24%; 3 homozygotes.

Submissions (2):

Ambry Genetics
Classification: Uncertain significance. Last evaluated: 2025-11-07. Review status: criteria provided, single submitter. Criteria: Ambry Variant Classification Scheme 2023. Collection method: clinical testing. Allele origin: germline.

PreventionGenetics, part of Exact Sciences
Classification: Likely benign for CACNA2D3-related condition. Last evaluated: 2022-12-02. Review status: no assertion criteria provided. Collection method: clinical testing. Allele origin: germline. Not counted in ClinVar's aggregate classification.
Comment: This variant is classified as likely benign based on ACMG/AMP sequence variant interpretation guidelines (Richards et al. 2015 PMID: 25741868, with internal and published modifications).